The following is an entry in ClinVar:

ClinVar aggregate classification (germline): Benign. Review status: criteria provided, multiple submitters, no conflicts (2 of 4 stars). 2 submissions from 2 submitters: Benign (2). Last evaluated 2018-06-19.

Allele frequency attached by ClinVar (database versions not stated): gnomAD 0.10253 and 0.10900; TOPMed 0.12156; 1000 Genomes Project 30x 0.16896; 1000 Genomes Project 0.16993.
gnomAD v4.1: 100,379 of 925,824 alleles (11%); highest among the groups gnomAD compares: Admixed American, 36%; 8,861 homozygotes.

Submissions (2):

GeneDx
Classification: Benign. Last evaluated: 2018-06-19. Review status: criteria provided, single submitter. Criteria: GeneDx Variant Classification (06012015). Collection method: clinical testing. Allele origin: germline. Affected: yes.
Comment: This variant is considered likely benign or benign based on one or more of the following criteria: it is a conservative change, it occurs at a poorly conserved position in the protein, it is predicted to be benign by multiple in silico algorithms, and/or has population frequency not consistent with disease.

Breakthrough Genomics
Classification: Benign. Review status: criteria provided, single submitter. Criteria: ACMG Guidelines, 2015. Collection method: not provided. Allele origin: germline. Inheritance: Autosomal recessive inheritance. Affected: yes.

NM_001267550.2(TTN):c.10303+134C>A

Gene: TTN (titin; minus strand). Cytogenetic location: 2q31.2.
Variant type: single nucleotide variant.
Coding change: c.10303+134C>A on transcript NM_001267550.2 (MANE Select); 134 bases into the intron after coding-DNA position 10303, C replaced by A.
Molecular consequence: intron variant.
Genome position (GRCh38, 1-based): chr2:178,758,850, G>T on the plus strand (C>A on the coding strand, the complement: TTN is on the minus strand). VCF-style: chr2-178758850-G-T. GRCh37 (hg19) VCF-style: chr2-179623577-G-T.
Other names: c.10303+134C>A (NM_001256850.1, NM_133378.4, NM_133379.5); c.10165+134C>A (NM_003319.4, NM_133437.4, NM_133432.3).
Identifiers: ClinVar variation 672997 (VCV000672997.2), dbSNP rs2291309, ClinGen allele CA11091761.